The following is an entry in ClinVar:

NM_002024.6(FMR1):c.378C>A (p.Phe126Leu)

Gene: FMR1 (fragile X messenger ribonucleoprotein 1; plus strand). Cytogenetic location: Xq27.3.
Variant type: single nucleotide variant.
Coding change: c.378C>A on transcript NM_002024.6 (MANE Select); coding-DNA position 378, C replaced by A.
Protein change: p.Phe126Leu; replaces phenylalanine 126 with leucine.
Molecular consequence: missense variant. On other transcripts: non-coding transcript variant (2).
Genome position (GRCh38, 1-based): chrX:147,928,766, C>A. VCF-style: chrX-147928766-C-A. GRCh37 (hg19) VCF-style: chrX-147010284-C-A.
Other names: c.378C>A, p.Phe126Leu (NM_001185075.2, NM_001185076.2, NM_001185081.2 and 1 more transcripts); short protein forms F126L.
Identifiers: ClinVar variation 2578091 (VCV002578091.1), dbSNP rs2521315843, ClinGen allele CA414436751.

ClinVar aggregate classification (germline): Uncertain significance (1 of 4 stars; one submission).

Submission:

GeneDx
Classification: Uncertain significance. Last evaluated: 2023-02-14. Review status: criteria provided, single submitter. Criteria: GeneDx Variant Classification Process June 2021. Collection method: clinical testing. Allele origin: germline. Affected: yes.
Comment: Not observed at significant frequency in large population cohorts (gnomAD); In silico analysis supports that this missense variant has a deleterious effect on protein structure/function; Has not been previously published as pathogenic or benign to our knowledge